The following is an entry in ClinVar:

ClinVar aggregate classification (germline): Uncertain significance (1 of 4 stars; one submission).

Submission:

Labcorp Genetics (formerly Invitae), Labcorp
Classification: Uncertain significance. Last evaluated: 2023-10-18. Review status: criteria provided, single submitter. Criteria: Invitae Variant Classification Sherloc (09022015). Collection method: clinical testing. Allele origin: germline.
Comment: This sequence change creates a premature translational stop signal (p.Asp316Leufs*66) in the NLRP1 gene. It is expected to result in an absent or disrupted protein product. However, the current clinical and genetic evidence is not sufficient to establish whether loss-of-function variants in NLRP1 cause disease. This variant is present in population databases (rs756363081, gnomAD 0.02%). This variant has not been reported in the literature in individuals affected with NLRP1-related conditions. In summary, the available evidence is currently insufficient to determine the role of this variant in disease. Therefore, it has been classified as a Variant of Uncertain Significance.

NM_033004.4(NLRP1):c.946_947del (p.Asp316fs)

Gene: NLRP1 (NLR family pyrin domain containing 1; minus strand). Cytogenetic location: 17p13.2.
Variant type: Microsatellite.
Coding change: c.946_947del on transcript NM_033004.4 (MANE Select); coding-DNA positions 946 to 947, 2 bases deleted (GA; older notation c.946_947delGA).
Protein change: p.Asp316fs; shifts the reading frame from aspartic acid 316.
Molecular consequence: frameshift variant.
Genome position (GRCh38, 1-based): chr17:5,559,749-5,559,750, TC deleted on the plus strand (GA on the coding strand, the reverse complement: NLRP1 is on the minus strand); deleting any 2 consecutive bases within chr17:5,559,749-5,559,753 gives the same sequence; the c. name uses the placement nearest the transcript's 3' end. VCF-style (leftmost placement, unchanged base first): chr17-5559748-GTC-G. GRCh37 (hg19) VCF-style: chr17-5463068-GTC-G.
Other names: c.946_947del, p.Asp316fs (NM_001033053.3, NM_014922.5, NM_033006.4 and 1 more transcripts); short protein forms D316fs.
Identifiers: ClinVar variation 1347893 (VCV001347893.6), dbSNP rs756363081, ClinGen allele CA8327460.